The following is an entry in ClinVar:

ClinVar aggregate classification (germline): Benign/Likely benign. Review status: criteria provided, multiple submitters, no conflicts (2 of 4 stars). 4 submissions from 4 submitters: Benign (2); Likely benign (1). 1 of the submissions does not count toward it. Last evaluated 2025-06-13.

Conditions:
DLL4-related disorder. Also called: DLL4-related condition.

Allele frequency attached by ClinVar (database versions not stated): gnomAD exomes 0.00008 and 0.00019; ExAC 0.00030; 1000 Genomes Project 0.00060; 1000 Genomes Project 30x 0.00078; gnomAD 0.00113 and 0.00125; TOPMed 0.00122; ESP Exome Variant Server 0.00143.
gnomAD v4.1: 291 of 1,613,366 alleles (0.018%); highest among the groups gnomAD compares: African/African-American, 0.34%; no homozygotes.

Submissions (4):

Labcorp Genetics (formerly Invitae), Labcorp
Classification: Benign. Last evaluated: 2025-06-13. Review status: criteria provided, single submitter. Criteria: Invitae Variant Classification Sherloc (09022015). Collection method: clinical testing. Allele origin: germline.

Blueprint Genetics
Classification: Likely benign. Last evaluated: 2023-02-09. Review status: criteria provided, single submitter. Criteria: ACMG Guidelines, 2015. Collection method: clinical testing. Allele origin: germline.

Breakthrough Genomics
Classification: Benign. Review status: criteria provided, single submitter. Criteria: ACMG Guidelines, 2015. Collection method: not provided. Allele origin: germline. Inheritance: Autosomal dominant inheritance. Affected: yes.

PreventionGenetics, part of Exact Sciences
Classification: Likely benign for DLL4-related condition. Last evaluated: 2020-01-06. Review status: no assertion criteria provided. Collection method: clinical testing. Allele origin: germline. Not counted in ClinVar's aggregate classification.
Comment: This variant is classified as likely benign based on ACMG/AMP sequence variant interpretation guidelines (Richards et al. 2015 PMID: 25741868, with internal and published modifications).

NM_019074.4(DLL4):c.516G>C (p.Arg172=)

Gene: DLL4 (delta like canonical Notch ligand 4; plus strand). Cytogenetic location: 15q15.1.
Variant type: single nucleotide variant.
Coding change: c.516G>C on transcript NM_019074.4 (MANE Select); coding-DNA position 516, G replaced by C.
Protein change: p.Arg172=; no amino-acid change (arginine 172 retained).
Molecular consequence: synonymous variant.
Genome position (GRCh38, 1-based): chr15:40,931,624, G>C. VCF-style: chr15-40931624-G-C. GRCh37 (hg19) VCF-style: chr15-41223822-G-C.
Identifiers: ClinVar variation 734190 (VCV000734190.15), dbSNP rs202138470, ClinGen allele CA7487698.
Genomic context (GRCh38, chr15:40,931,624, plus strand): 5'-TCAGAACTGGTTATTGGATGAGCAAACCAGCACCCTCACAAGGCTGCGCTACTCTTACCG[G>C]GTCATCTGCAGTGACAACTACTATGGAGACAACTGCTCCCGCCTGTGCAAGAAGCGCAAT-3'
Protein context (NP_061947.1, residues 162-182): STLTRLRYSY[Arg172=]VICSDNYYGD